The following is an entry in ClinVar:

NM_000057.4(BLM):c.3296dup (p.Asn1099fs)

Gene: BLM (BLM RecQ like helicase; plus strand). Cytogenetic location: 15q26.1.
Variant type: Duplication.
Coding change: c.3296dup on transcript NM_000057.4 (MANE Select); coding-DNA position 3296, one base duplicated (A; older notation c.3296dupA).
Protein change: p.Asn1099fs; shifts the reading frame from asparagine 1099.
Molecular consequence: frameshift variant.
Genome position (GRCh38, 1-based): chr15:90,798,275, A duplicated; the last of 3 consecutive A bases (chr15:90,798,273-90,798,275); duplicating any one gives the same sequence. VCF-style (leftmost placement, unchanged base first): chr15-90798272-G-GA. GRCh37 (hg19) VCF-style: chr15-91341502-G-GA.
Other names: c.3296dup, p.Asn1099fs (NM_001287246.2, NM_001287247.2); c.2171dup, p.Asn724fs (NM_001287248.2); short protein forms N1099fs, N724fs.
Identifiers: ClinVar variation 4719983 (VCV004719983.1).

ClinVar aggregate classification (germline): Pathogenic (1 of 4 stars; one submission).

Conditions:
Bloom syndrome (BLM). Also called: Bloom-Torre-Machacek syndrome. Identifiers: Orphanet 125, MedGen C0005859, MONDO:0008876, OMIM 210900.

Submission:

Labcorp Genetics (formerly Invitae), Labcorp
Classification: Pathogenic for Bloom syndrome. Last evaluated: 2025-05-22. Review status: criteria provided, single submitter. Criteria: Invitae Variant Classification Sherloc (09022015). Collection method: clinical testing. Allele origin: germline.
Comment: This sequence change creates a premature translational stop signal (p.Asn1099Lysfs*24) in the BLM gene. It is expected to result in an absent or disrupted protein product. Loss-of-function variants in BLM are known to be pathogenic (PMID: 17407155). This variant is not present in population databases (gnomAD no frequency). This variant has not been reported in the literature in individuals affected with BLM-related conditions. For these reasons, this variant has been classified as Pathogenic.

Literature cited by the submitters: PubMed 17407155.